The following is an entry in ClinVar:

NM_139076.3(ABRAXAS1):c.499G>A (p.Val167Met)

Gene: ABRAXAS1 (abraxas 1, BRCA1 A complex subunit; minus strand). Cytogenetic location: 4q21.23.
Variant type: single nucleotide variant.
Coding change: c.499G>A on transcript NM_139076.3 (MANE Select); coding-DNA position 499, G replaced by A.
Protein change: p.Val167Met; replaces valine 167 with methionine.
Molecular consequence: missense variant.
Genome position (GRCh38, 1-based): chr4:83,469,129, C>T on the plus strand (G>A on the coding strand, the complement: ABRAXAS1 is on the minus strand). VCF-style: chr4-83469129-C-T. GRCh37 (hg19) VCF-style: chr4-84390282-C-T.
Other names: c.172G>A, p.Val58Met (NM_001345962.2); short protein forms V58M, V167M.
Identifiers: ClinVar variation 3442547 (VCV003442547.1).

ClinVar aggregate classification (germline): Uncertain significance (1 of 4 stars; one submission).

Submission:

Ambry Genetics
Classification: Uncertain significance. Last evaluated: 2024-10-14. Review status: criteria provided, single submitter. Criteria: Ambry Variant Classification Scheme 2023. Collection method: clinical testing. Allele origin: germline.
Comment: The p.V167M variant (also known as c.499G>A), located in coding exon 6 of the FAM175A gene, results from a G to A substitution at nucleotide position 499. The valine at codon 167 is replaced by methionine, an amino acid with highly similar properties. This amino acid position is conserved. In addition, this alteration is predicted to be tolerated by in silico analysis. Based on the available evidence, the clinical significance of this variant remains unclear.